The following is an entry in ClinVar:

ClinVar aggregate classification (germline): Uncertain significance (1 of 4 stars; one submission).

Conditions:
ALG9 congenital disorder of glycosylation (CDG1L). Also called: CDG Il; CONGENITAL DISORDER OF GLYCOSYLATION, TYPE Il; ALG9-CDG. Identifiers: Orphanet 79328, MedGen C2931006, MONDO:0012117, OMIM 608776.

Submission:

Labcorp Genetics (formerly Invitae), Labcorp
Classification: Uncertain significance for ALG9 congenital disorder of glycosylation. Last evaluated: 2022-09-15. Review status: criteria provided, single submitter. Criteria: Invitae Variant Classification Sherloc (09022015). Collection method: clinical testing. Allele origin: germline.
Comment: In summary, the available evidence is currently insufficient to determine the role of this variant in disease. Therefore, it has been classified as a Variant of Uncertain Significance. Experimental studies and prediction algorithms are not available or were not evaluated, and the functional significance of this variant is currently unknown. This sequence change replaces methionine, which is neutral and non-polar, with valine, which is neutral and non-polar, at codon 549 of the ALG9 protein (p.Met549Val). This variant is not present in population databases (gnomAD no frequency). This variant has not been reported in the literature in individuals affected with ALG9-related conditions.

NM_024740.2(ALG9):c.1645A>G (p.Met549Val)

Gene: ALG9 (ALG9 alpha-1,2-mannosyltransferase; minus strand). Cytogenetic location: 11q23.1.
Variant type: single nucleotide variant.
Coding change: c.1645A>G on transcript NM_024740.2 (MANE Select); coding-DNA position 1645, A replaced by G.
Protein change: p.Met549Val; replaces methionine 549 with valine.
Molecular consequence: missense variant. On other transcripts: non-coding transcript variant (1).
Genome position (GRCh38, 1-based): chr11:111,809,731, T>C on the plus strand (A>G on the coding strand, the complement: ALG9 is on the minus strand). VCF-style: chr11-111809731-T-C. GRCh37 (hg19) VCF-style: chr11-111680455-T-C.
Other names: c.1624A>G, p.Met542Val (NM_001077690.1, NM_001352417.1); c.1132A>G, p.Met378Val (NM_001077691.2, NM_001352413.1, NM_001352414.2 and 1 more transcripts); c.1111A>G, p.Met371Val (NM_001077692.2, NM_001352409.1, NM_001352410.1 and 6 more transcripts); c.1501A>G, p.Met501Val (NM_001352418.1); c.1036A>G, p.Met346Val (NM_001352422.2); c.988A>G, p.Met330Val (NM_001352423.2); short protein forms M330V, M378V, M542V, M501V, M346V, M549V, M371V.
Identifiers: ClinVar variation 1971558 (VCV001971558.5), dbSNP rs2497086538, ClinGen allele CA382615162.
Genomic context (GRCh38, chr11:111,809,731, plus strand): 5'-CCAAGCTGATCCATTCTTCTTTATTGGATGAATATTTTGGCTCCCGGGGTGTTTCTCTCA[T>C]GGTGTCCAAATCCACTAAATAATGGCATTTACTGATATCAATCTGAAATGGAGAAAGGCC-3'
Protein context (NP_079016.2, residues 539-559): KCHYLVDLDT[Met549Val]RETPREPKYS